The following is an entry in ClinVar:

NM_000180.4(GUCY2D):c.1789G>A (p.Gly597Arg)

Gene: GUCY2D (guanylate cyclase 2D, retinal; plus strand). Cytogenetic location: 17p13.1.
Variant type: single nucleotide variant.
Coding change: c.1789G>A on transcript NM_000180.4 (MANE Select); coding-DNA position 1789, G replaced by A.
Protein change: p.Gly597Arg; replaces glycine 597 with arginine.
Molecular consequence: missense variant.
Genome position (GRCh38, 1-based): chr17:8,012,183, G>A. VCF-style: chr17-8012183-G-A. GRCh37 (hg19) VCF-style: chr17-7915501-G-A.
Other names: short protein forms G597R.
Identifiers: ClinVar variation 3382833 (VCV003382833.2).
Genomic context (GRCh38, chr17:8,012,183, plus strand): 5'-AGTCAACTCTCCCCCTCTCAGCTCCAGGAGCTCCGGCATGAGAACGTGGCCCTCTACCTG[G>A]GGCTTTTCCTGGCTCGGGGAGCAGAAGGCCCTGCGGCCCTCTGGGAGGGCAACCTGGCTG-3'
Protein context (NP_000171.1, residues 587-607): LRHENVALYL[Gly597Arg]LFLARGAEGP

ClinVar aggregate classification (germline): Uncertain significance (1 of 4 stars; one submission).

Conditions:
Choroidal dystrophy, central areolar, 1. Identifiers: Orphanet 75377, MedGen C4551884, MONDO:0024539, OMIM 215500.
Night blindness, congenital stationary, type1i. Also called: NIGHT BLINDNESS, CONGENITAL STATIONARY, TYPE 1I. Identifiers: MedGen C5231408, MONDO:0032811, OMIM 618555.
Leber congenital amaurosis 1 (LCA1). Also called: AMAUROSIS CONGENITA OF LEBER I; RETINAL BLINDNESS, CONGENITAL; Congenital absence of the rods and cones; Leber's congenital tapetoretinal degeneration; Leber's congenital tapetoretinal dysplasia. Identifiers: Orphanet 65, MedGen C2931258, MONDO:0008764, OMIM 204000.
Cone-rod dystrophy 6 (CORD6). Also called: RETINAL CONE DYSTROPHY 2; Cone dystrophy progressive. Identifiers: Orphanet 1872, MedGen C1866293, MONDO:0011143, OMIM 601777.

Submission:

Juno Genomics, Hangzhou Juno Genomics, Inc
Classification: Uncertain significance for Choroidal dystrophy, central areolar, 1; Cone-rod dystrophy 6; Leber congenital amaurosis 1; Night blindness, congenital stationary, type1i. Review status: criteria provided, single submitter. Criteria: ACMG Guidelines, 2015. Collection method: clinical testing. Allele origin: germline. Affected: yes.
Comment: Absent from controls (or at extremely low frequency if recessive) in Genome Aggregation Database, Exome Sequencing Project, 1000 Genomes Project, or Exome Aggregation Consortium.;Multiple lines of computational evidence support a deleterious effect on the gene or gene product (conservation, evolutionary, splicing impact, etc).;For recessive disorders, detected in trans with a pathogenic variant.;Patient's phenotype or family history is highly specific for a disease with a single genetic etiology.